The following is an entry in ClinVar:

NM_004380.3(CREBBP):c.3974G>T (p.Ser1325Ile)

Gene: CREBBP (CREB binding lysine acetyltransferase; minus strand). Cytogenetic location: 16p13.3.
Variant type: single nucleotide variant.
Coding change: c.3974G>T on transcript NM_004380.3 (MANE Select); coding-DNA position 3974, G replaced by T.
Protein change: p.Ser1325Ile; replaces serine 1325 with isoleucine.
Molecular consequence: missense variant.
Genome position (GRCh38, 1-based): chr16:3,744,902, C>A on the plus strand (G>T on the coding strand, the complement: CREBBP is on the minus strand). VCF-style: chr16-3744902-C-A. GRCh37 (hg19) VCF-style: chr16-3794903-C-A.
Other names: c.3974G>T (NM_004380.2); c.3860G>T, p.Ser1287Ile (NM_001079846.1); short protein forms S1287I, S1325I.
Identifiers: ClinVar variation 1690699 (VCV001690699.8), dbSNP rs760292945, ClinGen allele CA394566489.
Genomic context (GRCh38, chr16:3,744,902, plus strand): 5'-ACAAGTTTCTAAAATGTGCAGTCCAGGAAACAGAAAGCTTCCCGAAACTTACTCTTAGCA[C>A]TGAATTTGTTTTCTTTTCGAGGTCTGCCAGTTTTCTTCAAGCAGTTGTCGCACACAAAAC-3'
Protein context (NP_004371.2, residues 1315-1335): TGRPRKENKF[Ser1325Ile]AKRLQTTRLG

ClinVar aggregate classification (germline): Uncertain significance. Review status: criteria provided, multiple submitters, no conflicts (2 of 4 stars). 5 submissions from 5 submitters: Uncertain significance (5). Last evaluated 2025-02-25.

Conditions:
Menke-Hennekam syndrome 1 (MKHK1). Identifiers: MedGen C5193034, MONDO:0020763, OMIM 618332.
Rubinstein-Taybi syndrome due to CREBBP mutations (RSTS1). Also called: CREBBP-Related Rubinstein-Taybi Syndrome; RUBINSTEIN-TAYBI SYNDROME 1, INCOMPLETE; BROAD THUMB-HALLUX SYNDROME; RUBINSTEIN SYNDROME; Rubinstein-Taybi syndrome 1; BROAD THUMBS AND GREAT TOES, CHARACTERISTIC FACIES, AND IMPAIRED INTELLECTUAL DEVELOPMENT. Identifiers: Orphanet 353277, Orphanet 783, MedGen C4551859, MONDO:0008393, OMIM 180849.
CREBBP-related disorder. Also called: CREBBP-related condition; CREBBP-related disorders.
Rubinstein-Taybi syndrome (RSTS). Identifiers: Orphanet 783, MedGen C0035934, MONDO:0019188.

Submissions (5):

Dasa
Classification: Uncertain significance. Last evaluated: 2025-02-25. Review status: criteria provided, single submitter. Criteria: DASA Assertion Criteria. Collection method: clinical testing. Allele origin: germline.
Comment: NM_004380.3(CREBBP):c.3974G>T (p.Ser1325Ile) is a missense variant that results in the substitution of serine with isoleucine. This variant is absent from population databases. The currently available literature and clinical evidence are not sufficient to establish a definitive association between this variant and the reported condition. Therefore, this variant is classified as a variant of uncertain significance.

Labcorp Genetics (formerly Invitae), Labcorp
Classification: Uncertain significance for Rubinstein-Taybi syndrome. Last evaluated: 2025-02-03. Review status: criteria provided, single submitter. Criteria: Invitae Variant Classification Sherloc (09022015). Collection method: clinical testing. Allele origin: germline.
Comment: This sequence change replaces serine, which is neutral and polar, with isoleucine, which is neutral and non-polar, at codon 1325 of the CREBBP protein (p.Ser1325Ile). This variant is not present in population databases (gnomAD no frequency). This variant has not been reported in the literature in individuals affected with CREBBP-related conditions. ClinVar contains an entry for this variant (Variation ID: 1690699). Invitae Evidence Modeling of protein sequence and biophysical properties (such as structural, functional, and spatial information, amino acid conservation, physicochemical variation, residue mobility, and thermodynamic stability) indicates that this missense variant is expected to disrupt CREBBP protein function with a positive predictive value of 80%. In summary, the available evidence is currently insufficient to determine the role of this variant in disease. Therefore, it has been classified as a Variant of Uncertain Significance.

PreventionGenetics, part of Exact Sciences
Classification: Uncertain significance for CREBBP-related condition. Last evaluated: 2023-01-25. Review status: criteria provided, single submitter. Criteria: ACMG Guidelines, 2015. Collection method: clinical testing. Allele origin: germline.
Comment: The CREBBP c.3974G>T variant is predicted to result in the amino acid substitution p.Ser1325Ile. To our knowledge, this variant has not been reported in the literature or in a large population database, indicating this variant is rare. At this time, the clinical significance of this variant is uncertain due to the absence of conclusive functional and genetic evidence.

Fulgent Genetics
Classification: Uncertain significance for Rubinstein-Taybi syndrome due to CREBBP mutations; Menke-Hennekam syndrome 1. Last evaluated: 2021-08-17. Review status: criteria provided, single submitter. Criteria: ACMG Guidelines, 2015. Collection method: clinical testing. Allele origin: unknown.

Laboratorio de Genetica e Diagnostico Molecular, Hospital Israelita Albert Einstein
Classification: Uncertain significance. Last evaluated: 2019-10-07. Review status: criteria provided, single submitter. Criteria: ACMG Guidelines, 2015. Collection method: clinical testing. Allele origin: germline. Affected: yes.
Comment: ACMG classification criteria: PM2, PP3